The following is an entry in ClinVar:

NM_000552.5(VWF):c.1729+239_1729+240del

Gene: VWF (von Willebrand factor; minus strand). Cytogenetic location: 12p13.31.
Variant type: Deletion.
Coding change: c.1729+239_1729+240del on transcript NM_000552.5 (MANE Select); bases 239 to 240 of the intron after coding-DNA position 1729, 2 bases deleted (AA; older notation c.1729+239_1729+240delAA).
Molecular consequence: intron variant.
Genome position (GRCh38, 1-based): chr12:6,057,609-6,057,610, TT deleted on the plus strand (AA on the coding strand, the reverse complement: VWF is on the minus strand); deleting any 2 consecutive bases within chr12:6,057,609-6,057,623 gives the same sequence; the c. name uses the placement nearest the transcript's 3' end. VCF-style (leftmost placement, unchanged base first): chr12-6057608-CTT-C. GRCh37 (hg19) VCF-style: chr12-6166774-CTT-C.
Identifiers: ClinVar variation 4883978 (VCV004883978.2).

ClinVar aggregate classification (germline): Uncertain significance (1 of 4 stars; one submission).

Conditions:
von Willebrand disease type 2N (VWD2N). Identifiers: Orphanet 166093, MedGen C1282975, MONDO:0015631.

Submission:

Dasa
Classification: Uncertain significance for von Willebrand disease type 2N. Last evaluated: 2026-02-18. Review status: criteria provided, single submitter. Criteria: DASA Assertion Criteria. Collection method: clinical testing. Allele origin: germline.
Comment: NM_000552.5(VWF):c.1729+239_1729+240del is an intronic variant. This variant is rare in population databases. The currently available literature and clinical evidence are not sufficient to establish a definitive association between this variant and the reported condition. Therefore, this variant is classified as a variant of uncertain significance.